The following is an entry in ClinVar:

NM_022089.4(ATP13A2):c.3501C>T (p.Ala1167=)

Gene: ATP13A2 (ATPase cation transporting 13A2; minus strand). Cytogenetic location: 1p36.13.
Variant type: single nucleotide variant.
Coding change: c.3501C>T on transcript NM_022089.4 (MANE Select); coding-DNA position 3501, C replaced by T.
Protein change: p.Ala1167=; no amino-acid change (alanine 1167 retained).
Molecular consequence: synonymous variant. On other transcripts: nonsense (1).
Genome position (GRCh38, 1-based): chr1:16,986,263, G>A on the plus strand (C>T on the coding strand, the complement: ATP13A2 is on the minus strand). VCF-style: chr1-16986263-G-A. GRCh37 (hg19) VCF-style: chr1-17312758-G-A.
Other names: c.3199C>T (NM_001141974.1); c.3486C>T, p.Ala1162= (NM_001141973.3); c.3199C>T, p.Arg1067Ter (NM_001141974.3); short protein forms R1067*.
Identifiers: ClinVar variation 1128805 (VCV001128805.9), dbSNP rs781135190, ClinGen allele CA636466.
Genomic context (GRCh38, chr1:16,986,263, plus strand): 5'-GGTGCCCGTGGGCCTGCACTACCTCAGGGGGCCGGCGGGCAGCGGCGGCCAGGGCTGCTC[G>A]GCCAGCTCTCGTTCCAGCTGCTTGAAGCGCTTCTTGGAGGCCCGCTTGGGCCGGAGGCGG-3'
Protein context (NP_071372.1, residues 1157-1177): KRFKQLEREL[Ala1167=]EQPWPPLPAG

ClinVar aggregate classification (germline): Conflicting classifications of pathogenicity. Review status: criteria provided, conflicting classifications (1 of 4 stars). 3 submissions from 3 submitters: Uncertain significance (2); Likely benign (1). Last evaluated 2025-12-28.

Conditions:
Kufor-Rakeb syndrome (KRS). Also called: PARKINSON DISEASE 9, AUTOSOMAL RECESSIVE, JUVENILE-ONSET. Identifiers: Orphanet 306674, Orphanet 314632, MedGen C1847640, MONDO:0011706, OMIM 606693.
Autosomal recessive spastic paraplegia type 78. Identifiers: Orphanet 513436, MedGen C5567893, MONDO:0014975, OMIM 617225.
Inborn genetic diseases. Identifiers: MedGen C0950123, MeSH D030342.

Allele frequency attached by ClinVar (database versions not stated): TOPMed 0.00001; gnomAD 0.00003.
gnomAD v4.1: 29 of 1,607,510 alleles (0.0018%); highest among the groups gnomAD compares: Middle Eastern, 0.034%; no homozygotes.

Submissions (3):

Labcorp Genetics (formerly Invitae), Labcorp
Classification: Likely benign for Kufor-Rakeb syndrome; Autosomal recessive spastic paraplegia type 78. Last evaluated: 2025-12-28. Review status: criteria provided, single submitter. Criteria: Invitae Variant Classification Sherloc (09022015). Collection method: clinical testing. Allele origin: germline.

Blueprint Genetics
Classification: Uncertain significance. Last evaluated: 2023-12-15. Review status: criteria provided, single submitter. Criteria: ACMG Guidelines, 2015. Collection method: clinical testing. Allele origin: germline.

Ambry Genetics
Classification: Uncertain significance for Inborn genetic diseases. Last evaluated: 2022-01-12. Review status: criteria provided, single submitter. Criteria: Ambry General Variant Classification Scheme_2022. Collection method: clinical testing. Allele origin: germline. Observed: 1 variant allele.
Comment: The c.3199C>T (p.R1067*) alteration, located in exon 27 (coding exon 27) of the ATP13A2 gene, consists of a C to T substitution at nucleotide position 3199. This changes the amino acid from a arginine (R) to a stop codon at amino acid position 1067. This alteration occurs at the 3' terminus of the ATP13A2 gene, is not expected to trigger nonsense-mediated mRNA decay, and only impacts the last 7% of the protein. The exact functional effect of this alteration is unknown. Loss of function alterations in this region of the ATP1A32 gene are more common in population databases than expected for likely pathogenic/disease-causing variants based on internally established thresholds (Karczewski, 2020; Whiffin, 2017). Based on insufficient or conflicting evidence, the clinical significance of this alteration remains unclear.

Literature cited by the submitters: PubMed 32461654 (cited by Ambry Genetics); PubMed 28518168 (cited by Ambry Genetics).